The following is an entry in ClinVar:

ClinVar aggregate classification (germline): Likely pathogenic (1 of 4 stars; one submission).

Conditions:
Congenital disorder of deglycosylation 2 (CDDG2). Identifiers: MedGen C5676931, MONDO:0030770, OMIM 619775.

Submission:

First Genomix Gene Laboratory, Genetic Diagnostics Department
Classification: Likely pathogenic for Congenital disorder of deglycosylation 2. Last evaluated: 2025-09-22. Review status: criteria provided, single submitter. Criteria: ACMG Guidelines, 2015. Collection method: clinical testing. Allele origin: germline. Inheritance: Autosomal recessive inheritance. Affected: no. Observed: 1 variant allele.

NM_006715.4(MAN2C1):c.969_970del (p.Gly324fs)

Gene: MAN2C1 (mannosidase alpha class 2C member 1; minus strand). Cytogenetic location: 15q24.2.
Variant type: Deletion.
Coding change: c.969_970del on transcript NM_006715.4 (MANE Select); coding-DNA positions 969 to 970, 2 bases deleted (TG; older notation c.969_970delTG).
Protein change: p.Gly324fs; shifts the reading frame from glycine 324.
Molecular consequence: frameshift variant.
Genome position (GRCh38, 1-based): chr15:75,362,381-75,362,382, CA deleted on the plus strand (TG on the coding strand, the reverse complement: MAN2C1 is on the minus strand); deleting any 2 consecutive bases within chr15:75,362,381-75,362,383 gives the same sequence; the c. name uses the placement nearest the transcript's 3' end. VCF-style (leftmost placement, unchanged base first): chr15-75362380-CCA-C. GRCh37 (hg19) VCF-style: chr15-75654721-CCA-C.
Other names: c.969_970del, p.Gly324fs (NM_001256494.2, NM_001256495.2); c.672_673del, p.Gly225fs (NM_001256496.2); short protein forms G225fs, G324fs.
Identifiers: ClinVar variation 4850420 (VCV004850420.1).